The following is an entry in ClinVar:

NM_000760.4(CSF3R):c.805C>A (p.Arg269Ser)

Gene: CSF3R (colony stimulating factor 3 receptor; minus strand). Cytogenetic location: 1p34.3.
Variant type: single nucleotide variant.
Coding change: c.805C>A on transcript NM_000760.4 (MANE Select); coding-DNA position 805, C replaced by A.
Protein change: p.Arg269Ser; replaces arginine 269 with serine.
Molecular consequence: missense variant.
Genome position (GRCh38, 1-based): chr1:36,472,555, G>T on the plus strand (C>A on the coding strand, the complement: CSF3R is on the minus strand). VCF-style: chr1-36472555-G-T. GRCh37 (hg19) VCF-style: chr1-36938156-G-T.
Other names: c.805C>A, p.Arg269Ser (NM_156039.3, NM_172313.3); short protein forms R269S.
Identifiers: ClinVar variation 4798096 (VCV004798096.1).
Genomic context (GRCh38, chr1:36,472,555, plus strand): 5'-TCCAGGTTGCCCTCTGCCTCACCAGTGCCCAGCTGGCTTCTCCACGCTGCGGCTTGTGGC[G>T]CAGCTCACACTTCTGATTTATGTGCAGGCCTGGCTGCCATGGCTCCCAGCACAGCTGTAG-3'
Protein context (NP_000751.1, residues 259-279): GLHINQKCEL[Arg269Ser]HKPQRGEASW

ClinVar aggregate classification (germline): Uncertain significance (1 of 4 stars; one submission).

Conditions:
Autosomal recessive severe congenital neutropenia due to CSF3R deficiency. Also called: Neutropenia, severe congenital, 7, autosomal recessive. Identifiers: Orphanet 420702, MedGen C4310764, MONDO:0014865, OMIM 617014.

gnomAD v4.1: 1 of 1,614,166 alleles (0.000062%); no homozygotes.

Submission:

Labcorp Genetics (formerly Invitae), Labcorp
Classification: Uncertain significance for Autosomal recessive severe congenital neutropenia due to CSF3R deficiency. Last evaluated: 2026-01-24. Review status: criteria provided, single submitter. Criteria: Invitae Variant Classification Sherloc (09022015). Collection method: clinical testing. Allele origin: germline.
Comment: This sequence change replaces arginine, which is basic and polar, with serine, which is neutral and polar, at codon 269 of the CSF3R protein (p.Arg269Ser). This variant is not present in population databases (gnomAD no frequency). This variant has not been reported in the literature in individuals affected with CSF3R-related conditions. Invitae Evidence Modeling of protein sequence and biophysical properties (such as structural, functional, and spatial information, amino acid conservation, physicochemical variation, residue mobility, and thermodynamic stability) indicates that this missense variant is expected to disrupt CSF3R protein function with a positive predictive value of 80%. In summary, the available evidence is currently insufficient to determine the role of this variant in disease. Therefore, it has been classified as a Variant of Uncertain Significance.